The following is an entry in ClinVar:

NM_005592.4(MUSK):c.1928-8G>A

Gene: MUSK (muscle associated receptor tyrosine kinase; plus strand). Cytogenetic location: 9q31.3.
Variant type: single nucleotide variant.
Coding change: c.1928-8G>A on transcript NM_005592.4 (MANE Select); 8 bases into the intron before coding-DNA position 1928, G replaced by A.
Molecular consequence: intron variant.
Genome position (GRCh38, 1-based): chr9:110,800,298, G>A. VCF-style: chr9-110800298-G-A. GRCh37 (hg19) VCF-style: chr9-113562578-G-A.
Other names: c.1670-8G>A (NM_001166280.2); c.1640-8G>A (NM_001166281.2); c.668-8G>A (NM_001369398.1).
Identifiers: ClinVar variation 2575966 (VCV002575966.1), dbSNP rs2491208402, ClinGen allele CA2580616024.
Genomic context (GRCh38, chr9:110,800,298, plus strand): 5'-TTTGGAGTGCTCTTTCCATTGTTTCATTGTAGAAACTGAGACTAACAGGGATGGTCTTTT[G>A]GTTCCAGGAGTGTGTGCTGTCGGGAAGCCAATGTGCCTGCTCTTTGAATACATGGCCTAT-3'

ClinVar aggregate classification (germline): Uncertain significance (1 of 4 stars; one submission).

Submission:

Institute for Clinical Genetics, University Hospital TU Dresden, University Hospital TU Dresden
Classification: Uncertain significance. Last evaluated: 2021-03-22. Review status: criteria provided, single submitter. Criteria: ACMG Guidelines, 2015. Collection method: clinical testing. Allele origin: paternal.
Comment: PP3, PM2_SUP